The following is an entry in ClinVar:

NM_001177519.3(MICA):c.953_956del (p.Gly318fs)

Gene: MICA (MHC class I polypeptide-related sequence A; plus strand). Cytogenetic location: 6p21.33.
Variant type: Microsatellite.
Coding change: c.953_956del on transcript NM_001177519.3 (MANE Select); coding-DNA positions 953 to 956, 4 bases deleted (GCTG; older notation c.953_956delGCTG).
Protein change: p.Gly318fs; shifts the reading frame from glycine 318.
Molecular consequence: frameshift variant. On other transcripts: no sequence alteration (1).
Genome position (GRCh38, 1-based): chr6:31,412,385-31,412,388, GCTG deleted; deleting any 4 consecutive bases within chr6:31,412,381-31,412,388 gives the same sequence; the c. name uses the placement nearest the transcript's 3' end. VCF-style (leftmost placement, unchanged base first): chr6-31412380-TGCTG-T. GRCh37 (hg19) VCF-style: chr6-31380157-TGCTG-T.
Other names: c.949_952=, p.Ala317_Ala318= (NM_000247.3); c.662_665del, p.Gly221fs (NM_001289152.2, NM_001289153.2); c.539_542del, p.Gly180fs (NM_001289154.2); short protein forms G221fs, G180fs, G318fs.
Identifiers: ClinVar variation 403086 (VCV000403086.4), dbSNP rs138201170, ClinGen allele CA3712295.

ClinVar aggregate classification (germline): Benign (1 of 4 stars; one submission).

Submission:

Laboratory for Molecular Medicine, Mass General Brigham Personalized Medicine
Classification: Benign. Last evaluated: 2016-03-28. Review status: criteria provided, single submitter. Criteria: LMM Criteria. Collection method: clinical testing. Allele origin: germline.
Comment: Variant identified in a genome or exome case(s) and assessed due to predicted null impact of the variant or pathogenic assertions in the literature or databases. Disclaimer: This variant has not undergone full assessment. The following are preliminary notes: Frequency in ESP (all): 2994/11918=25.12%